The following is an entry in ClinVar:

ClinVar aggregate classification (germline): Uncertain significance (1 of 4 stars; one submission).

Conditions:
Spastic paraplegia. Identifiers: MedGen C0037772, HP:0001258.

Submission:

Labcorp Genetics (formerly Invitae), Labcorp
Classification: Uncertain significance for Spastic paraplegia. Last evaluated: 2023-11-13. Review status: criteria provided, single submitter. Criteria: Invitae Variant Classification Sherloc (09022015). Collection method: clinical testing. Allele origin: germline.
Comment: This sequence change replaces serine, which is neutral and polar, with cysteine, which is neutral and slightly polar, at codon 286 of the SLC16A2 protein (p.Ser286Cys). This variant is not present in population databases (gnomAD no frequency). This variant has not been reported in the literature in individuals affected with SLC16A2-related conditions. Advanced modeling of protein sequence and biophysical properties (such as structural, functional, and spatial information, amino acid conservation, physicochemical variation, residue mobility, and thermodynamic stability) performed at Invitae indicates that this missense variant is not expected to disrupt SLC16A2 protein function with a negative predictive value of 80%. Algorithms developed to predict the effect of sequence changes on RNA splicing suggest that this variant may create or strengthen a splice site. In summary, the available evidence is currently insufficient to determine the role of this variant in disease. Therefore, it has been classified as a Variant of Uncertain Significance.

NM_006517.5(SLC16A2):c.856A>T (p.Ser286Cys)

Gene: SLC16A2 (solute carrier family 16 member 2; plus strand). Cytogenetic location: Xq13.2.
Variant type: single nucleotide variant.
Coding change: c.856A>T on transcript NM_006517.5 (MANE Select); coding-DNA position 856, A replaced by T.
Protein change: p.Ser286Cys; replaces serine 286 with cysteine.
Molecular consequence: missense variant.
Genome position (GRCh38, 1-based): chrX:74,524,639, A>T. VCF-style: chrX-74524639-A-T. GRCh37 (hg19) VCF-style: chrX-73744474-A-T.
Other names: short protein forms S286C.
Identifiers: ClinVar variation 2695488 (VCV002695488.3), dbSNP rs776291109, ClinGen allele CA413657434.